The following is an entry in ClinVar:

ClinVar aggregate classification (germline): Uncertain significance (1 of 4 stars; one submission).

Conditions:
Ataxia-telangiectasia syndrome (AT). Also called: Ataxia-telangiectasia, complementation group D; ATAXIA-TELANGIECTASIA, COMPLEMENTATION GROUP A; ATAXIA-TELANGIECTASIA, FRESNO VARIANT; Ataxia-telangiectasia; Ataxia telangiectasia (A-T); Cerebello-oculocutaneous telangiectasia. Identifiers: Orphanet 100, MedGen C0004135, MONDO:0008840, OMIM 208900.

Submission:

Labcorp Genetics (formerly Invitae), Labcorp
Classification: Uncertain significance for Ataxia-telangiectasia syndrome. Last evaluated: 2023-08-14. Review status: criteria provided, single submitter. Criteria: Invitae Variant Classification Sherloc (09022015). Collection method: clinical testing. Allele origin: germline.
Comment: In summary, the available evidence is currently insufficient to determine the role of this variant in disease. Therefore, it has been classified as a Variant of Uncertain Significance. Algorithms developed to predict the effect of sequence changes on RNA splicing suggest that this variant may create or strengthen a splice site. ClinVar contains an entry for this variant (Variation ID: 2032847). This variant has not been reported in the literature in individuals affected with ATM-related conditions. This variant is not present in population databases (gnomAD no frequency). This sequence change falls in intron 17 of the ATM gene. It does not directly change the encoded amino acid sequence of the ATM protein.

NM_000051.4(ATM):c.2639-6T>G

Gene: ATM (ATM serine/threonine kinase; plus strand). Cytogenetic location: 11q22.3.
Variant type: single nucleotide variant.
Coding change: c.2639-6T>G on transcript NM_000051.4 (MANE Select); 6 bases into the intron before coding-DNA position 2639, T replaced by G.
Molecular consequence: intron variant.
Genome position (GRCh38, 1-based): chr11:108,268,404, T>G. VCF-style: chr11-108268404-T-G. GRCh37 (hg19) VCF-style: chr11-108139131-T-G.
Other names: c.2639-6T>G (NM_001351834.2).
Identifiers: ClinVar variation 2032847 (VCV002032847.4), dbSNP rs2497629720, ClinGen allele CA2580083085.